The following is an entry in ClinVar:

ClinVar aggregate classification (germline): Uncertain significance (1 of 4 stars; one submission).

Submission:

GeneDx
Classification: Uncertain significance. Last evaluated: 2026-02-05. Review status: criteria provided, single submitter. Criteria: GeneDx Variant Classification Process June 2021. Collection method: clinical testing. Allele origin: germline.
Comment: Not observed at significant frequency in large population cohorts (gnomAD); In silico analysis supports that this missense variant has a deleterious effect on protein structure/function; Has not been previously published as pathogenic or benign to our knowledge

NM_001367479.1(DNAH14):c.12082G>C (p.Gly4028Arg)

Gene: DNAH14 (dynein axonemal heavy chain 14; plus strand). Cytogenetic location: 1q42.12.
Variant type: single nucleotide variant.
Coding change: c.12082G>C on transcript NM_001367479.1 (MANE Select); coding-DNA position 12082, G replaced by C.
Protein change: p.Gly4028Arg; replaces glycine 4028 with arginine.
Molecular consequence: missense variant.
Genome position (GRCh38, 1-based): chr1:225,364,886, G>C. VCF-style: chr1-225364886-G-C. GRCh37 (hg19) VCF-style: chr1-225552588-G-C.
Other names: NM_001373.1:c.11803G>C; short protein forms G4028R.
Identifiers: ClinVar variation 4976023 (VCV004976023.1).